The following is an entry in ClinVar:

NM_000038.6(APC):c.2418T>A (p.His806Gln)

Gene: APC (APC regulator of Wnt signaling pathway; plus strand). Cytogenetic location: 5q22.2.
Variant type: single nucleotide variant.
Coding change: c.2418T>A on transcript NM_000038.6 (MANE Select); coding-DNA position 2418, T replaced by A.
Protein change: p.His806Gln; replaces histidine 806 with glutamine.
Molecular consequence: missense variant.
Genome position (GRCh38, 1-based): chr5:112,838,012, T>A. VCF-style: chr5-112838012-T-A. GRCh37 (hg19) VCF-style: chr5-112173709-T-A.
Other names: c.2418T>A, p.His806Gln (NM_001127510.3, NM_001354895.2); c.2364T>A, p.His788Gln (NM_001127511.3); c.2472T>A, p.His824Gln (NM_001354896.2); c.2448T>A, p.His816Gln (NM_001354897.2); c.2343T>A, p.His781Gln (NM_001354898.2); c.2334T>A, p.His778Gln (NM_001354899.2); c.2295T>A, p.His765Gln (NM_001354900.2); c.2241T>A, p.His747Gln (NM_001354901.2); and 5 more; short protein forms H788Q, H806Q, H765Q, H781Q, H816Q, H778Q, H824Q, H705Q.
Identifiers: ClinVar variation 469747 (VCV000469747.25), dbSNP rs372917037, ClinGen allele CA031952.

ClinVar aggregate classification (germline): Conflicting classifications of pathogenicity. Review status: criteria provided, conflicting classifications (1 of 4 stars). 6 submissions from 6 submitters: Uncertain significance (5); Likely benign (1). Last evaluated 2025-09-17.

Conditions:
Familial adenomatous polyposis 1 (FAP1). Also called: POLYPOSIS, ADENOMATOUS INTESTINAL; FAMILIAL ADENOMATOUS POLYPOSIS 1, ATTENUATED. Identifiers: MedGen C2713442, MONDO:0021056, OMIM 175100. Disease mechanism: loss of function.
Classic or attenuated familial adenomatous polyposis. Identifiers: MedGen CN372698, MONDO:0021057.
Hereditary cancer-predisposing syndrome. Also called: Hereditary neoplastic syndrome; Neoplastic Syndromes, Hereditary; Tumor predisposition; Hereditary Cancer Syndrome. Identifiers: Orphanet 140162, MedGen C0027672, MeSH D009386, MONDO:0015356.

Allele frequency attached by ClinVar (database versions not stated): gnomAD exomes below 0.00001; ExAC 0.00001; gnomAD 0.00005; TOPMed 0.00005; ESP Exome Variant Server 0.00008.
gnomAD v4.1: 9 of 1,614,030 alleles (0.00056%); highest among the groups gnomAD compares: African/African-American, 0.012%; no homozygotes.

Submissions (6):

Color Diagnostics, LLC DBA Color Health
Classification: Likely benign for Hereditary cancer-predisposing syndrome. Last evaluated: 2025-09-17. Review status: criteria provided, single submitter. Criteria: ACMG Guidelines, 2015. Collection method: clinical testing. Allele origin: germline.

Labcorp Genetics (formerly Invitae), Labcorp
Classification: Uncertain significance for Familial adenomatous polyposis 1. Last evaluated: 2025-06-25. Review status: criteria provided, single submitter. Criteria: Invitae Variant Classification Sherloc (09022015). Collection method: clinical testing. Allele origin: germline.
Comment: This sequence change replaces histidine, which is basic and polar, with glutamine, which is neutral and polar, at codon 806 of the APC protein (p.His806Gln). This variant is present in population databases (rs372917037, gnomAD 0.02%). This variant has not been reported in the literature in individuals affected with APC-related conditions. ClinVar contains an entry for this variant (Variation ID: 469747). Invitae Evidence Modeling of protein sequence and biophysical properties (such as structural, functional, and spatial information, amino acid conservation, physicochemical variation, residue mobility, and thermodynamic stability) indicates that this missense variant is not expected to disrupt APC protein function with a negative predictive value of 95%. In summary, the available evidence is currently insufficient to determine the role of this variant in disease. Therefore, it has been classified as a Variant of Uncertain Significance.

Ambry Genetics
Classification: Uncertain significance for Hereditary cancer-predisposing syndrome. Last evaluated: 2025-01-16. Review status: criteria provided, single submitter. Criteria: Ambry Variant Classification Scheme 2023. Collection method: clinical testing. Allele origin: germline.
Comment: The p.H806Q variant (also known as c.2418T>A), located in coding exon 15 of the APC gene, results from a T to A substitution at nucleotide position 2418. The histidine at codon 806 is replaced by glutamine, an amino acid with highly similar properties. Missense alterations in APC are not a common cause of disease (Spier I et al. Genet Med. 2024 Feb;26(2):100992). This amino acid position is not well conserved in available vertebrate species. In addition, in silico predictors for this gene do not accurately predict pathogenicity. Based on the available evidence, the clinical significance of this variant remains unclear.

Women's Health and Genetics/Laboratory Corporation of America, LabCorp
Classification: Uncertain significance. Last evaluated: 2024-07-18. Review status: criteria provided, single submitter. Criteria: LabCorp Variant Classification Summary - May 2015. Collection method: clinical testing. Allele origin: germline.
Comment: Variant summary: APC c.2418T>A (p.His806Gln) results in a non-conservative amino acid change located in the Adenomatous polyposis coli protein basic domain (IPR009234) of the encoded protein sequence. Four of five in-silico tools predict a damaging effect of the variant on protein function. The variant allele was found at a frequency of 4e-06 in 250874 control chromosomes. The available data on variant occurrences in the general population are insufficient to allow any conclusion about variant significance. To our knowledge, no occurrence of c.2418T>A in individuals affected with Familial Adenomatous Polyposis and no experimental evidence demonstrating its impact on protein function have been reported. ClinVar contains an entry for this variant (Variation ID: 469747). Based on the evidence outlined above, the variant was classified as uncertain significance.

All of Us Research Program, National Institutes of Health
Classification: Uncertain significance for Classic or attenuated familial adenomatous polyposis. Last evaluated: 2024-02-22. Review status: criteria provided, single submitter. Criteria: ACMG Guidelines, 2015. Collection method: clinical testing. Allele origin: germline. Inheritance: Autosomal dominant inheritance. Observed: 2 variant alleles, 2 heterozygotes.
Comment: This missense variant replaces histidine with glutamine at codon 806 of the APC protein. Computational prediction suggests that this variant may not impact protein structure and function (internally defined REVEL score threshold <= 0.5, PMID: 27666373). To our knowledge, functional studies have not been reported for this variant. This variant has not been reported in individuals affected with APC-related disorders in the literature. This variant has been identified in 3/282276 chromosomes in the general population by the Genome Aggregation Database (gnomAD). The available evidence is insufficient to determine the role of this variant in disease conclusively. Therefore, this variant is classified as a Variant of Uncertain Significance.

This study involves interpretation of variants in research participants for the purpose of population health screening. Participant phenotype was not available at the time of variant classification. Additional details can be found in publication PMID: 35346344, PMCID: PMC8962531

GeneDx
Classification: Uncertain significance. Last evaluated: 2023-12-29. Review status: criteria provided, single submitter. Criteria: GeneDx Variant Classification Process June 2021. Collection method: clinical testing. Allele origin: germline. Affected: yes.
Comment: Not observed at significant frequency in large population cohorts (gnomAD); In silico analysis supports that this missense variant does not alter protein structure/function; Observed in an individual with personal and/or family history of breast cancer (PMID: 36315513); This variant is associated with the following publications: (PMID: 36315513)